The following is an entry in ClinVar:

NM_001036.6(RYR3):c.7827C>G (p.Ser2609=)

Gene: RYR3 (ryanodine receptor 3; plus strand). Cytogenetic location: 15q14.
Variant type: single nucleotide variant.
Coding change: c.7827C>G on transcript NM_001036.6 (MANE Select); coding-DNA position 7827, C replaced by G.
Protein change: p.Ser2609=; no amino-acid change (serine 2609 retained).
Molecular consequence: synonymous variant.
Genome position (GRCh38, 1-based): chr15:33,742,372, C>G. VCF-style: chr15-33742372-C-G. GRCh37 (hg19) VCF-style: chr15-34034573-C-G.
Other names: c.7827C>G, p.Ser2609= (NM_001243996.4).
Identifiers: ClinVar variation 461958 (VCV000461958.36), dbSNP rs149242033, ClinGen allele CA7460008.

ClinVar aggregate classification (germline): Benign/Likely benign. Review status: criteria provided, multiple submitters, no conflicts (2 of 4 stars). 4 submissions from 4 submitters: Benign (1); Likely benign (2). 1 of the submissions does not count toward it. Last evaluated 2026-01-15.

Conditions:
RYR3-related disorder. Also called: RYR3-related condition.
Epileptic encephalopathy. Identifiers: MedGen C0543888, HP:0200134.

Allele frequency attached by ClinVar (database versions not stated): ExAC 0.00071; gnomAD exomes 0.00096 and 0.00100; ESP Exome Variant Server 0.00117; gnomAD 0.00136 and 0.00139; TOPMed 0.00148; 1000 Genomes Project 0.00160; 1000 Genomes Project 30x 0.00234.
gnomAD v4.1: 1,594 of 1,611,004 alleles (0.099%); highest among the groups gnomAD compares: Admixed American, 0.33%; 1 homozygote.

Submissions (4):

Labcorp Genetics (formerly Invitae), Labcorp
Classification: Benign for Epileptic encephalopathy. Last evaluated: 2026-01-15. Review status: criteria provided, single submitter. Criteria: Invitae Variant Classification Sherloc (09022015). Collection method: clinical testing. Allele origin: germline.

CeGaT Center for Human Genetics Tuebingen
Classification: Likely benign. Last evaluated: 2026-01-01. Review status: criteria provided, single submitter. Criteria: CeGaT Center For Human Genetics Tuebingen Variant Classification Criteria Version 2. Collection method: clinical testing. Allele origin: germline. Affected: yes. Observed: 4 variant alleles.
Comment: RYR3: BP4, BP7

Blueprint Genetics
Classification: Likely benign. Last evaluated: 2024-11-22. Review status: criteria provided, single submitter. Criteria: ACMG Guidelines, 2015. Collection method: clinical testing. Allele origin: germline.

PreventionGenetics, part of Exact Sciences
Classification: Likely benign for RYR3-related condition. Last evaluated: 2019-05-28. Review status: no assertion criteria provided. Collection method: clinical testing. Allele origin: germline. Not counted in ClinVar's aggregate classification.
Comment: This variant is classified as likely benign based on ACMG/AMP sequence variant interpretation guidelines (Richards et al. 2015 PMID: 25741868, with internal and published modifications).